The following is an entry in ClinVar:

ClinVar aggregate classification (germline): Conflicting classifications of pathogenicity. Review status: criteria provided, conflicting classifications (1 of 4 stars). 3 submissions from 3 submitters: Uncertain significance (2); Likely benign (1). Last evaluated 2022-04-15.

Conditions:
Long QT syndrome (LQTS). Identifiers: MedGen C0023976, MeSH D008133, MONDO:0002442. Disease mechanism: loss of function. Inheritance: Various modes of inheritance.
Cardiovascular phenotype. Identifiers: MedGen CN230736.

Allele frequency attached by ClinVar (database versions not stated): gnomAD exomes below 0.00001 and 0.00001; ExAC 0.00001; gnomAD 0.00001; TOPMed 0.00002; ESP Exome Variant Server 0.00008.
gnomAD v4.1: 23 of 1,613,964 alleles (0.0014%); highest among the groups gnomAD compares: Non-Finnish European, 0.0019%; no homozygotes.

Submissions (3):

Labcorp Genetics (formerly Invitae), Labcorp
Classification: Uncertain significance for Long QT syndrome. Last evaluated: 2022-04-15. Review status: criteria provided, single submitter. Criteria: Invitae Variant Classification Sherloc (09022015). Collection method: clinical testing. Allele origin: germline.
Comment: Algorithms developed to predict the effect of missense changes on protein structure and function are either unavailable or do not agree on the potential impact of this missense change (SIFT: "Tolerated"; PolyPhen-2: "Probably Damaging"; Align-GVGD: "Class C0"). This sequence change replaces aspartic acid, which is acidic and polar, with histidine, which is basic and polar, at codon 2417 of the ANK2 protein (p.Asp2417His). This variant is present in population databases (rs372545180, gnomAD 0.0009%). This variant has not been reported in the literature in individuals affected with ANK2-related conditions. ClinVar contains an entry for this variant (Variation ID: 429643). In summary, the available evidence is currently insufficient to determine the role of this variant in disease. Therefore, it has been classified as a Variant of Uncertain Significance.

Ambry Genetics
Classification: Likely benign for Cardiovascular phenotype. Last evaluated: 2021-07-19. Review status: criteria provided, single submitter. Criteria: Ambry Variant Classification Scheme 2023. Collection method: clinical testing. Allele origin: germline.

GeneDx
Classification: Uncertain significance. Last evaluated: 2017-05-04. Review status: criteria provided, single submitter. Criteria: GeneDx Variant Classification (06012015). Collection method: clinical testing. Allele origin: germline. Affected: yes.
Comment: The D2417H variant has not been publishedas pathogenic or been reported as benign to our knowledge. Furthermore, it is not observed at a significant frequencyin large population cohorts (Lek et al., 2016; 1000 Genomes Consortium et al., 2015; Exome Variant Server). TheD2417H variant is a non-conservative amino acid substitution, which is likely to impact secondary protein structureas these residues differ in polarity, charge, size and/or other properties. Moreover, although this substitution occurs ata position that is not conserved across species, in silico analysis predicts this variant is probably damaging to theprotein structure/function. Nonetheless, this variant lacks observation in a significant number of affected individuals,segregation data, and functional evidence, which would further clarify its pathogenicity.

NM_001148.6(ANK2):c.7249G>C (p.Asp2417His)

Genes: ANK2 (ankyrin 2; plus strand), LOC126807137 (CDK7 strongly-dependent group 2 enhancer GRCh37_chr4:114276560-114277759; plus strand). Cytogenetic location: 4q26.
Variant type: single nucleotide variant.
Coding change: c.7249G>C on transcript NM_001148.6 (MANE Select); coding-DNA position 7249, G replaced by C.
Protein change: p.Asp2417His; replaces aspartic acid 2417 with histidine.
Molecular consequence: missense variant. On other transcripts: intron variant (68).
Genome position (GRCh38, 1-based): chr4:113,355,867, G>C. VCF-style: chr4-113355867-G-C. GRCh37 (hg19) VCF-style: chr4-114277023-G-C.
Other names: c.7015G>C, p.Asp2339His (NM_001386142.1); c.3649G>C, p.Asp1217His (NM_001386166.1); c.7390G>C, p.Asp2464His (NM_001386174.1); c.7366G>C, p.Asp2456His (NM_001386175.1); c.4412-4956G>C (NM_001386186.2, NM_001386148.2); c.4214-4956G>C (NM_001354269.3); c.4292-4956G>C (NM_001386187.2); c.4253-4956G>C (NM_001386147.1); and 35 more; short protein forms D2417H, D1217H, D2339H, D2456H, D2464H.
Identifiers: ClinVar variation 429643 (VCV000429643.9), dbSNP rs372545180, ClinGen allele CA3051561.